The following is an entry in ClinVar:

ClinVar aggregate classification (germline): Uncertain significance (1 of 4 stars; one submission).

Allele frequency attached by ClinVar (database versions not stated): gnomAD exomes below 0.00001; ExAC 0.00002.
gnomAD v4.1: 5 of 1,589,592 alleles (0.00031%); highest among the groups gnomAD compares: South Asian, 0.0012%; no homozygotes.

Submission:

Labcorp Genetics (formerly Invitae), Labcorp
Classification: Uncertain significance. Last evaluated: 2023-07-13. Review status: criteria provided, single submitter. Criteria: Invitae Variant Classification Sherloc (09022015). Collection method: clinical testing. Allele origin: germline.
Comment: This sequence change replaces arginine, which is basic and polar, with glutamine, which is neutral and polar, at codon 749 of the ITGAM protein (p.Arg749Gln). The frequency data for this variant in the population databases is considered unreliable, as metrics indicate poor data quality at this position in the gnomAD database. This variant has not been reported in the literature in individuals affected with ITGAM-related conditions. Algorithms developed to predict the effect of missense changes on protein structure and function output the following: SIFT: "Not Available"; PolyPhen-2: "Benign"; Align-GVGD: "Not Available". The glutamine amino acid residue is found in multiple mammalian species, which suggests that this missense change does not adversely affect protein function. In summary, the available evidence is currently insufficient to determine the role of this variant in disease. Therefore, it has been classified as a Variant of Uncertain Significance.

NM_000632.4(ITGAM):c.2246G>A (p.Arg749Gln)

Gene: ITGAM (integrin subunit alpha M; plus strand). Cytogenetic location: 16p11.2.
Variant type: single nucleotide variant.
Coding change: c.2246G>A on transcript NM_000632.4 (MANE Select); coding-DNA position 2246, G replaced by A.
Protein change: p.Arg749Gln; replaces arginine 749 with glutamine.
Molecular consequence: missense variant.
Genome position (GRCh38, 1-based): chr16:31,324,739, G>A. VCF-style: chr16-31324739-G-A. GRCh37 (hg19) VCF-style: chr16-31336060-G-A.
Other names: c.2249G>A, p.Arg750Gln (NM_001145808.2); short protein forms R750Q, R749Q.
Identifiers: ClinVar variation 2957585 (VCV002957585.3), dbSNP rs773891491, ClinGen allele CA8025765.
Genomic context (GRCh38, chr16:31,324,739, plus strand): 5'-TTGTGCTGCGCCTGAACTTCTCTCTGGTGGGAACGCCATTGTCTGCTTTCGGGAACCTCC[G>A]GCCAGTGCTGGCGGAGGATGCTCAGAGACTCTTCACAGCCTTGGTGAGTCCAGAGTTGGG-3'
Protein context (NP_000623.2, residues 739-759): GTPLSAFGNL[Arg749Gln]PVLAEDAQRL